The following is an entry in ClinVar:

ClinVar aggregate classification (germline): Benign/Likely benign. Review status: criteria provided, multiple submitters, no conflicts (2 of 4 stars). 5 submissions from 5 submitters: Benign (1); Likely benign (4). Last evaluated 2026-02-03.

Conditions:
Tumor predisposition syndrome 3 (TPDS3). Also called: Glioma susceptibility 9; Melanoma, cutaneous malignant, susceptibility to, 10; LONG TELOMERE SYNDROME, POT1-RELATED; POT1 Tumor Predisposition. Identifiers: Orphanet 618, MedGen C4014476, MONDO:0014368, OMIM 615848.
Hereditary cancer-predisposing syndrome. Also called: Hereditary neoplastic syndrome; Tumor predisposition; Neoplastic Syndromes, Hereditary; Hereditary Cancer Syndrome. Identifiers: Orphanet 140162, MedGen C0027672, MeSH D009386, MONDO:0015356.
POT1-related disorder. Also called: POT1-related condition.

Allele frequency attached by ClinVar (database versions not stated): gnomAD 0.00003 and 0.00005; TOPMed 0.00009; 1000 Genomes Project 0.00020; ExAC 0.00020; gnomAD exomes 0.00021; 1000 Genomes Project 30x 0.00031.
gnomAD v4.1: 151 of 1,610,092 alleles (0.0094%); highest among the groups gnomAD compares: East Asian, 0.32%; 3 homozygotes.

Submissions (5):

Labcorp Genetics (formerly Invitae), Labcorp
Classification: Benign for Tumor predisposition syndrome 3. Last evaluated: 2026-02-03. Review status: criteria provided, single submitter. Criteria: Invitae Variant Classification Sherloc (09022015). Collection method: clinical testing. Allele origin: germline.

PreventionGenetics, part of Exact Sciences
Classification: Likely benign for POT1-related condition. Last evaluated: 2025-10-02. Review status: criteria provided, single submitter. Criteria: ACMG Guidelines, 2015. Collection method: clinical testing. Allele origin: germline.
Comment: This variant is classified as likely benign based on ACMG/AMP sequence variant interpretation guidelines (Richards et al. 2015 PMID: 25741868, with internal and published modifications).

CeGaT Center for Human Genetics Tuebingen
Classification: Likely benign. Last evaluated: 2024-01-01. Review status: criteria provided, single submitter. Criteria: CeGaT Center For Human Genetics Tuebingen Variant Classification Criteria Version 2. Collection method: clinical testing. Allele origin: germline. Affected: yes. Observed: 1 variant allele.
Comment: POT1: BP4, BP7

Blueprint Genetics
Classification: Likely benign. Last evaluated: 2023-01-25. Review status: criteria provided, single submitter. Criteria: ACMG Guidelines, 2015. Collection method: clinical testing. Allele origin: germline.

Ambry Genetics
Classification: Likely benign for Hereditary cancer-predisposing syndrome. Last evaluated: 2018-01-19. Review status: criteria provided, single submitter. Criteria: Ambry Variant Classification Scheme 2023. Collection method: clinical testing. Allele origin: germline.

NM_015450.3(POT1):c.1077A>G (p.Gln359=)

Gene: POT1 (protection of telomeres 1; minus strand). Cytogenetic location: 7q31.33.
Variant type: single nucleotide variant.
Coding change: c.1077A>G on transcript NM_015450.3 (MANE Select); coding-DNA position 1077, A replaced by G.
Protein change: p.Gln359=; no amino-acid change (glutamine 359 retained).
Molecular consequence: synonymous variant. On other transcripts: non-coding transcript variant (3).
Genome position (GRCh38, 1-based): chr7:124,842,893, T>C on the plus strand (A>G on the coding strand, the complement: POT1 is on the minus strand). VCF-style: chr7-124842893-T-C. GRCh37 (hg19) VCF-style: chr7-124482947-T-C.
Other names: c.684A>G, p.Gln228= (NM_001042594.2).
Identifiers: ClinVar variation 475017 (VCV000475017.40), dbSNP rs539321499, ClinGen allele CA4465232.
Genomic context (GRCh38, chr7:124,842,893, plus strand): 5'-TTTAACAGACTGAAATAGTCTTCTGGGCTTATATGACCTCAATTTTGCTCGGATGCGGTA[T>C]TGTTGAGGAGCTTTTTGTTTCAAAATGGCACATAGTGGTGTCCTCTCCAAATACTGATGA-3'
Protein context (NP_056265.2, residues 349-369): CAILKQKAPQ[Gln359=]YRIRAKLRSY